The following is an entry in ClinVar:

NM_006059.4(LAMC3):c.2451C>A (p.Asp817Glu)

Gene: LAMC3 (laminin subunit gamma 3; plus strand). Cytogenetic location: 9q34.12.
Variant type: single nucleotide variant.
Coding change: c.2451C>A on transcript NM_006059.4 (MANE Select); coding-DNA position 2451, C replaced by A.
Protein change: p.Asp817Glu; replaces aspartic acid 817 with glutamic acid.
Molecular consequence: missense variant.
Genome position (GRCh38, 1-based): chr9:131,067,063, C>A. VCF-style: chr9-131067063-C-A. GRCh37 (hg19) VCF-style: chr9-133942450-C-A.
Other names: c.2451C>A (NM_006059.3); short protein forms D817E.
Identifiers: ClinVar variation 1444542 (VCV001444542.7), dbSNP rs1829949479, ClinGen allele CA375253228.

ClinVar aggregate classification (germline): Uncertain significance. Review status: criteria provided, multiple submitters, no conflicts (2 of 4 stars). 2 submissions from 2 submitters: Uncertain significance (2). Last evaluated 2024-01-02.

Conditions:
Inborn genetic diseases. Identifiers: MedGen C0950123, MeSH D030342.

Allele frequency attached by ClinVar (database versions not stated): TOPMed 0.00002.

Submissions (2):

Labcorp Genetics (formerly Invitae), Labcorp
Classification: Uncertain significance. Last evaluated: 2024-01-02. Review status: criteria provided, single submitter. Criteria: Invitae Variant Classification Sherloc (09022015). Collection method: clinical testing. Allele origin: germline.
Comment: This sequence change replaces aspartic acid, which is acidic and polar, with glutamic acid, which is acidic and polar, at codon 817 of the LAMC3 protein (p.Asp817Glu). This variant is not present in population databases (gnomAD no frequency). This variant has not been reported in the literature in individuals affected with LAMC3-related conditions. ClinVar contains an entry for this variant (Variation ID: 1444542). An algorithm developed to predict the effect of missense changes on protein structure and function (PolyPhen-2) suggests that this variant is likely to be disruptive. In summary, the available evidence is currently insufficient to determine the role of this variant in disease. Therefore, it has been classified as a Variant of Uncertain Significance.

Ambry Genetics
Classification: Uncertain significance for Inborn genetic diseases. Last evaluated: 2021-06-17. Review status: criteria provided, single submitter. Criteria: Ambry Variant Classification Scheme 2023. Collection method: clinical testing. Allele origin: germline.